The following is an entry in ClinVar:

ClinVar aggregate classification (germline): Likely pathogenic (1 of 4 stars; one submission).

Conditions:
Anemia, nonspherocytic hemolytic, due to G6PD deficiency (CNSHA1). Also called: Hemolytic anemia due to G6PD deficiency; Favism, susceptibility to; Class I glucose-6-phosphate dehydrogenase deficiency; ANEMIA, CONGENITAL, NONSPHEROCYTIC HEMOLYTIC, 1. Identifiers: Orphanet 466026, MedGen C2720289, MONDO:0010480, OMIM 300908.

Submission:

Dunham Lab, University of Washington
Classification: Likely pathogenic for Anemia, nonspherocytic hemolytic, due to G6PD deficiency. Last evaluated: 2022-08-12. Review status: criteria provided, single submitter. Criteria: Bayesian ACMG Guidelines, 2018. Collection method: curation. Allele origin: maternal. Affected: yes.
Comment: Variant found in two hemizygous brothers with G6PD deficiency, CNSHA, and jaundice (PP4). Undetectable activity in red blood cells and when expressed in E. coli (PS3). 1502T>G not found in gnomAD (PM2). Not found in gnomAD (PM2). Post_P 0.975 (odds of pathogenicity 350.3, Prior_P 0.1).

Literature cited by the submitters: PubMed 21302115; PubMed 28583873.

NM_001360016.2(G6PD):c.[1376G>T;1502T>G]

Variant type: Haplotype.
Identifiers: ClinVar variation 1722642 (VCV001722642.2).